The following is an entry in ClinVar:

NM_000098.3(CPT2):c.754del (p.Tyr252fs)

Gene: CPT2 (carnitine palmitoyltransferase 2; plus strand). Cytogenetic location: 1p32.3.
Variant type: Deletion.
Coding change: c.754del on transcript NM_000098.3 (MANE Select); coding-DNA position 754, one base deleted (T; older notation c.754delT).
Protein change: p.Tyr252fs; shifts the reading frame from tyrosine 252.
Molecular consequence: frameshift variant.
Genome position (GRCh38, 1-based): chr1:53,210,428, T deleted; the last of 5 consecutive T bases (chr1:53,210,424-53,210,428); deleting any one gives the same sequence. VCF-style (leftmost placement, unchanged base first): chr1-53210423-AT-A. GRCh37 (hg19) VCF-style: chr1-53676095-AT-A.
Other names: c.754del, p.Tyr252fs (NM_001330589.2); short protein forms Y252fs.
Identifiers: ClinVar variation 2756871 (VCV002756871.3), dbSNP rs2525587773, ClinGen allele CA2697552423.

ClinVar aggregate classification (germline): Pathogenic (1 of 4 stars; one submission).

Conditions:
Carnitine palmitoyltransferase II deficiency. Also called: Carnitine Palmitoyltransferase 2 Deficiency. Identifiers: Orphanet 157, MedGen C0342790, MONDO:0015515.

Submission:

Labcorp Genetics (formerly Invitae), Labcorp
Classification: Pathogenic for Carnitine palmitoyltransferase II deficiency. Last evaluated: 2023-08-31. Review status: criteria provided, single submitter. Criteria: Invitae Variant Classification Sherloc (09022015). Collection method: clinical testing. Allele origin: germline.
Comment: This sequence change creates a premature translational stop signal (p.Tyr252Ilefs*13) in the CPT2 gene. It is expected to result in an absent or disrupted protein product. Loss-of-function variants in CPT2 are known to be pathogenic (PMID: 16781677, 16996287). This variant is not present in population databases (gnomAD no frequency). This variant has not been reported in the literature in individuals affected with CPT2-related conditions. For these reasons, this variant has been classified as Pathogenic.

Literature cited by the submitters: PubMed 16781677; PubMed 16996287.